The following is an entry in ClinVar:

NM_006615.3(CAPN9):c.829C>T (p.Arg277Trp)

Gene: CAPN9 (calpain 9; plus strand). Cytogenetic location: 1q42.2.
Variant type: single nucleotide variant.
Coding change: c.829C>T on transcript NM_006615.3 (MANE Select); coding-DNA position 829, C replaced by T.
Protein change: p.Arg277Trp; replaces arginine 277 with tryptophan.
Molecular consequence: missense variant.
Genome position (GRCh38, 1-based): chr1:230,772,053, C>T. VCF-style: chr1-230772053-C-T. GRCh37 (hg19) VCF-style: chr1-230907799-C-T.
Other names: c.640C>T, p.Arg214Trp (NM_001319676.2); c.829C>T, p.Arg277Trp (NM_016452.3); short protein forms R214W, R277W.
Identifiers: ClinVar variation 2640071 (VCV002640071.24), dbSNP rs28359655, ClinGen allele CA1448752.
Genomic context (GRCh38, chr1:230,772,053, plus strand): 5'-CCTCATGCTTTTCCCTTCTAGGTAAGCTTCCGAGGCCAGAGAATCGAGCTCATCCGAATC[C>T]GGAACCCTTGGGGCCAGGTTGAGTGGAACGGGTCGTGGAGCGACAGGTCAGTCACCCTAT-3'
Protein context (NP_006606.1, residues 267-287): RGQRIELIRI[Arg277Trp]NPWGQVEWNG

ClinVar aggregate classification (germline): Likely benign (1 of 4 stars; one submission).

Allele frequency attached by ClinVar (database versions not stated): 1000 Genomes Project 0.00040; 1000 Genomes Project 30x 0.00047; ESP Exome Variant Server 0.00146; ExAC 0.00169; TOPMed 0.00210; gnomAD 0.00222; gnomAD exomes 0.00270.

Submission:

CeGaT Center for Human Genetics Tuebingen
Classification: Likely benign. Last evaluated: 2023-09-01. Review status: criteria provided, single submitter. Criteria: CeGaT Center For Human Genetics Tuebingen Variant Classification Criteria Version 2. Collection method: clinical testing. Allele origin: germline. Affected: yes. Observed: 1 variant allele.
Comment: CAPN9: BS2